The following is an entry in ClinVar:

NM_025137.4(SPG11):c.7018G>T (p.Ala2340Ser)

Gene: SPG11 (SPG11 vesicle trafficking associated, spatacsin; minus strand). Cytogenetic location: 15q21.1.
Variant type: single nucleotide variant.
Coding change: c.7018G>T on transcript NM_025137.4 (MANE Select); coding-DNA position 7018, G replaced by T.
Protein change: p.Ala2340Ser; replaces alanine 2340 with serine.
Molecular consequence: missense variant.
Genome position (GRCh38, 1-based): chr15:44,564,680, C>A on the plus strand (G>T on the coding strand, the complement: SPG11 is on the minus strand). VCF-style: chr15-44564680-C-A. GRCh37 (hg19) VCF-style: chr15-44856878-C-A.
Other names: c.6679G>T, p.Ala2227Ser (NM_001160227.2); short protein forms A2227S, A2340S.
Identifiers: ClinVar variation 1000657 (VCV001000657.6), dbSNP rs1375685761, ClinGen allele CA392212970.

ClinVar aggregate classification (germline): Uncertain significance (1 of 4 stars; one submission).

Conditions:
Hereditary spastic paraplegia 11. Also called: Spastic Paraplegia 11; SPASTIC PARAPLEGIA, AUTOSOMAL RECESSIVE, COMPLICATED, WITH THIN CORPUS CALLOSUM; SPASTIC PARAPLEGIA, AUTOSOMAL RECESSIVE, WITH MENTAL IMPAIRMENT AND THIN CORPUS CALLOSUM; Nakamura Osame syndrome; Autosomal recessive hereditary spastic paraplegia, mental impairment, and thin corpus callosum; Spastic paraplegia, mental retardation and thin corpus callosum. Identifiers: Orphanet 2822, MedGen C1858479, MONDO:0011445, OMIM 604360.

Allele frequency attached by ClinVar (database versions not stated): gnomAD exomes below 0.00001; TOPMed below 0.00001.
gnomAD v4.1: 1 of 1,614,142 alleles (0.000062%); highest among the groups gnomAD compares: East Asian, 0.0022%; no homozygotes.

Submission:

Labcorp Genetics (formerly Invitae), Labcorp
Classification: Uncertain significance for Hereditary spastic paraplegia 11. Last evaluated: 2022-02-03. Review status: criteria provided, single submitter. Criteria: Invitae Variant Classification Sherloc (09022015). Collection method: clinical testing. Allele origin: germline.
Comment: This sequence change replaces alanine, which is neutral and non-polar, with serine, which is neutral and polar, at codon 2340 of the SPG11 protein (p.Ala2340Ser). This variant is not present in population databases (gnomAD no frequency). This variant has not been reported in the literature in individuals affected with SPG11-related conditions. ClinVar contains an entry for this variant (Variation ID: 1000657). Algorithms developed to predict the effect of missense changes on protein structure and function are either unavailable or do not agree on the potential impact of this missense change (SIFT: "Deleterious"; PolyPhen-2: "Possibly Damaging"; Align-GVGD: "Class C0"). In summary, the available evidence is currently insufficient to determine the role of this variant in disease. Therefore, it has been classified as a Variant of Uncertain Significance.